The following is an entry in ClinVar:

ClinVar aggregate classification (germline): Pathogenic (1 of 4 stars; one submission).

Conditions:
Inborn genetic diseases. Identifiers: MedGen C0950123, MeSH D030342.

Submission:

Ambry Genetics
Classification: Pathogenic for Inborn genetic diseases. Last evaluated: 2025-03-27. Review status: criteria provided, single submitter. Criteria: Ambry Variant Classification Scheme 2023. Collection method: clinical testing. Allele origin: germline.
Comment: The c.1296delC (p.R433Gfs*34) alteration, located in exon 14 (coding exon 13) of the PNKP gene, consists of a deletion of one nucleotide at position 1296, causing a translational frameshift with a predicted alternate stop codon after 34 amino acids. This variant is not expected to trigger nonsense-mediated mRNA decay, and impacts the last 17% of the protein. However, premature stop codons are typically deleterious in nature, and the impacted region is critical for protein function (Ambry internal data). Based on data from gnomAD, this allele has an overall frequency of <0.001% (1/182078) total alleles studied. The highest observed frequency was 0.004% (1/25002) of South Asian alleles. Based on the available evidence, this alteration is classified as pathogenic.

NM_007254.4(PNKP):c.1296del (p.Arg433fs)

Gene: PNKP (polynucleotide kinase 3'-phosphatase; minus strand). Cytogenetic location: 19q13.33.
Variant type: Deletion.
Coding change: c.1296del on transcript NM_007254.4 (MANE Select); coding-DNA position 1296, one base deleted (C; older notation c.1296delC).
Protein change: p.Arg433fs; shifts the reading frame from arginine 433.
Molecular consequence: frameshift variant.
Genome position (GRCh38, 1-based): chr19:49,861,774, G deleted on the plus strand (C on the coding strand, the reverse complement: PNKP is on the minus strand); the first of 2 consecutive G bases (chr19:49,861,774-49,861,775); deleting either gives the same sequence. VCF-style (leftmost placement, unchanged base first): chr19-49861773-TG-T. GRCh37 (hg19) VCF-style: chr19-50365030-TG-T.
Other names: short protein forms R433fs.
Identifiers: ClinVar variation 3935193 (VCV003935193.1).
Genomic context (GRCh38, chr19:49,861,773, plus strand): 5'-GGATGTGCAGGCCCCGCCCACCCCGCCGCAGGCCACCTACGGCCCCGCGGTCACGCTACC[TG>T]GCGCGGCTCGCGGCGTCTGGGTTTGTGTTGTCGATGGCGACCCGTTTCCCTTGCTTCAGG-3'